The following is an entry in ClinVar:

ClinVar aggregate classification (germline): Uncertain significance. Review status: criteria provided, single submitter (1 of 4 stars). 2 submissions from 2 submitters: Uncertain significance (1). 1 of the submissions does not count toward it. Last evaluated 2023-01-31.

Conditions:
Ataxia-telangiectasia syndrome (AT). Also called: Ataxia-telangiectasia, complementation group E; Ataxia telangiectasia (A-T); LOUIS-BAR SYNDROME; ATAXIA-TELANGIECTASIA, FRESNO VARIANT; AT, COMPLEMENTATION GROUP C; Ataxia-telangiectasia. Identifiers: Orphanet 100, MedGen C0004135, MONDO:0008840, OMIM 208900.

Submissions (2):

Labcorp Genetics (formerly Invitae), Labcorp
Classification: Uncertain significance for Ataxia-telangiectasia syndrome. Last evaluated: 2023-01-31. Review status: criteria provided, single submitter. Criteria: Invitae Variant Classification Sherloc (09022015). Collection method: clinical testing. Allele origin: germline.
Comment: Algorithms developed to predict the effect of missense changes on protein structure and function (SIFT, PolyPhen-2, Align-GVGD) all suggest that this variant is likely to be tolerated. This sequence change replaces alanine, which is neutral and non-polar, with glycine, which is neutral and non-polar, at codon 1762 of the ATM protein (p.Ala1762Gly). This variant is not present in population databases (gnomAD no frequency). This variant has not been reported in the literature in individuals affected with ATM-related conditions. ClinVar contains an entry for this variant (Variation ID: 945409). In summary, the available evidence is currently insufficient to determine the role of this variant in disease. Therefore, it has been classified as a Variant of Uncertain Significance.

Natera, Inc.
Classification: Uncertain significance for Ataxia-telangiectasia. Last evaluated: 2021-09-09. Review status: no assertion criteria provided. Collection method: clinical testing. Allele origin: germline. Not counted in ClinVar's aggregate classification.

NM_000051.4(ATM):c.5285C>G (p.Ala1762Gly)

Gene: ATM (ATM serine/threonine kinase; plus strand). Cytogenetic location: 11q22.3.
Variant type: single nucleotide variant.
Coding change: c.5285C>G on transcript NM_000051.4 (MANE Select); coding-DNA position 5285, C replaced by G.
Protein change: p.Ala1762Gly; replaces alanine 1762 with glycine.
Molecular consequence: missense variant.
Genome position (GRCh38, 1-based): chr11:108,301,755, C>G. VCF-style: chr11-108301755-C-G. GRCh37 (hg19) VCF-style: chr11-108172482-C-G.
Other names: c.5285C>G, p.Ala1762Gly (NM_001351834.2); short protein forms A1762G.
Identifiers: ClinVar variation 945409 (VCV000945409.13), dbSNP rs1272524343, ClinGen allele CA382542663.